The following is an entry in ClinVar:

ClinVar aggregate classification (germline): Uncertain significance. Review status: criteria provided, multiple submitters, no conflicts (2 of 4 stars). 2 submissions from 2 submitters: Uncertain significance (2). Last evaluated 2025-11-24.

Allele frequency attached by ClinVar (database versions not stated): gnomAD exomes 0.00001.

Submissions (2):

Ambry Genetics
Classification: Uncertain significance. Last evaluated: 2025-11-24. Review status: criteria provided, single submitter. Criteria: Ambry Variant Classification Scheme 2023. Collection method: clinical testing. Allele origin: germline.

Labcorp Genetics (formerly Invitae), Labcorp
Classification: Uncertain significance. Last evaluated: 2022-10-03. Review status: criteria provided, single submitter. Criteria: Invitae Variant Classification Sherloc (09022015). Collection method: clinical testing. Allele origin: germline.
Comment: This variant is present in population databases (no rsID available, gnomAD 0.009%). This variant has not been reported in the literature in individuals affected with LIPG-related conditions. Algorithms developed to predict the effect of missense changes on protein structure and function (SIFT, PolyPhen-2, Align-GVGD) all suggest that this variant is likely to be tolerated. In summary, the available evidence is currently insufficient to determine the role of this variant in disease. Therefore, it has been classified as a Variant of Uncertain Significance. This sequence change replaces methionine, which is neutral and non-polar, with isoleucine, which is neutral and non-polar, at codon 148 of the LIPG protein (p.Met148Ile).

NM_006033.4(LIPG):c.444G>A (p.Met148Ile)

Gene: LIPG (lipase G, endothelial type; plus strand). Cytogenetic location: 18q21.1.
Variant type: single nucleotide variant.
Coding change: c.444G>A on transcript NM_006033.4 (MANE Select); coding-DNA position 444, G replaced by A.
Protein change: p.Met148Ile; replaces methionine 148 with isoleucine.
Molecular consequence: missense variant.
Genome position (GRCh38, 1-based): chr18:49,567,606, G>A. VCF-style: chr18-49567606-G-A. GRCh37 (hg19) VCF-style: chr18-47093976-G-A.
Other names: c.444G>A, p.Met148Ile (NM_001308006.2); c.444G>A (NM_006033.2); short protein forms M148I.
Identifiers: ClinVar variation 1953774 (VCV001953774.6), dbSNP rs1307585859, ClinGen allele CA402418731.